The following is an entry in ClinVar:

ClinVar aggregate classification (germline): Likely benign (0 of 4 stars; one submission).

Conditions:
SLCO1B3-related disorder. Also called: SLCO1B3-related condition.

gnomAD v4.1: 1 of 1,613,382 alleles (0.000062%); highest among the groups gnomAD compares: Admixed American, 0.0017%; no homozygotes.

Submission:

PreventionGenetics, part of Exact Sciences
Classification: Likely benign for SLCO1B3-related condition. Last evaluated: 2023-08-01. Review status: no assertion criteria provided. Collection method: clinical testing. Allele origin: germline.
Comment: This variant is classified as likely benign based on ACMG/AMP sequence variant interpretation guidelines (Richards et al. 2015 PMID: 25741868, with internal and published modifications).

NM_019844.4(SLCO1B3):c.1956A>G (p.Gln652=)

Genes: SLCO1B3 (solute carrier organic anion transporter family member 1B3; plus strand), SLCO1B3-SLCO1B7 (SLCO1B3-SLCO1B7 readthrough; plus strand). Cytogenetic location: 12p12.2.
Variant type: single nucleotide variant.
Coding change: c.1956A>G on transcript NM_019844.4 (MANE Select); coding-DNA position 1956, A replaced by G.
Protein change: p.Gln652=; no amino-acid change (glutamine 652 retained).
Molecular consequence: synonymous variant. On other transcripts: intron variant (1).
Genome position (GRCh38, 1-based): chr12:20,916,094, A>G. VCF-style: chr12-20916094-A-G. GRCh37 (hg19) VCF-style: chr12-21069028-A-G.
Other names: c.1872A>G, p.Gln624= (NM_001349920.2); c.1865+14627A>G (NM_001371097.1).
Identifiers: ClinVar variation 3052155 (VCV003052155.2), dbSNP rs1228511726, ClinGen allele CA479103046.
Genomic context (GRCh38, chr12:20,916,094, plus strand): 5'-AAGATTCCCAGCACTTGTTTTATATATTGTTTTCATTTTTGCTATGAAGAAAAAATTTCA[A>G]GGAAAAGATACCAAGGCATCGGACAATGAAAGAAAAGTAATGGATGAAGCAAACTTAGAA-3'
Protein context (NP_062818.1, residues 642-662): VFIFAMKKKF[Gln652=]GKDTKASDNE